The following is an entry in ClinVar:

ClinVar aggregate classification (germline): Uncertain significance. Review status: criteria provided, multiple submitters, no conflicts (2 of 4 stars). 4 submissions from 4 submitters: Uncertain significance (4). Last evaluated 2023-04-25.

Conditions:
Isolated microphthalmia 3 (MCOPS16). Also called: MICROPHTHALMIA, SYNDROMIC 16. Identifiers: Orphanet 2542, MedGen C5774181, MONDO:0012604, OMIM 611038.

Allele frequency attached by ClinVar (database versions not stated): ESP Exome Variant Server 0.00015.

Submissions (4):

Department of Pathology and Laboratory Medicine, Sinai Health System
Classification: Uncertain significance for Isolated microphthalmia 3. Last evaluated: 2023-04-25. Review status: criteria provided, single submitter. Criteria: ACMG Guidelines, 2015. Collection method: research. Allele origin: germline.

Fulgent Genetics
Classification: Uncertain significance for Isolated microphthalmia 3. Last evaluated: 2022-03-24. Review status: criteria provided, single submitter. Criteria: ACMG Guidelines, 2015. Collection method: clinical testing. Allele origin: unknown.

Illumina Laboratory Services, Illumina
Classification: Uncertain significance for Isolated microphthalmia 3. Last evaluated: 2017-04-28. Review status: criteria provided, single submitter. Criteria: ICSL Variant Classification Criteria 13 December 2019. Collection method: clinical testing. Allele origin: germline.
Comment: This variant was observed as part of a predisposition screen in an ostensibly healthy population. A literature search was performed for the gene, cDNA change, and amino acid change (where applicable). Publications were found based on this search. However, the evidence from the literature, in combination with allele frequency data from public databases where available, was not sufficient to rule this variant in or out of causing disease. Therefore, this variant is classified as a variant of unknown significance.

Breakthrough Genomics
Classification: Uncertain significance. Review status: criteria provided, single submitter. Criteria: ACMG Guidelines, 2015. Collection method: not provided. Allele origin: germline. Inheritance: Autosomal recessive inheritance. Affected: yes.

Literature cited by the submitters: PubMed 20494911 (cited by Illumina Laboratory Services, Illumina).

NM_013435.3(RAX):c.328C>G (p.Arg110Gly)

Gene: RAX (retina and anterior neural fold homeobox; minus strand). Cytogenetic location: 18q21.32.
Variant type: single nucleotide variant.
Coding change: c.328C>G on transcript NM_013435.3 (MANE Select); coding-DNA position 328, C replaced by G.
Protein change: p.Arg110Gly; replaces arginine 110 with glycine.
Molecular consequence: missense variant.
Genome position (GRCh38, 1-based): chr18:59,272,576, G>C on the plus strand (C>G on the coding strand, the complement: RAX is on the minus strand). VCF-style: chr18-59272576-G-C. GRCh37 (hg19) VCF-style: chr18-56939808-G-C.
Other names: short protein forms R110G.
Identifiers: ClinVar variation 892544 (VCV000892544.7), dbSNP rs202032096, ClinGen allele CA8979364.